The following is an entry in ClinVar:

ClinVar aggregate classification (germline): Uncertain significance (1 of 4 stars; one submission).

Submission:

Labcorp Genetics (formerly Invitae), Labcorp
Classification: Uncertain significance. Last evaluated: 2023-09-04. Review status: criteria provided, single submitter. Criteria: Invitae Variant Classification Sherloc (09022015). Collection method: clinical testing. Allele origin: germline.
Comment: Algorithms developed to predict the effect of sequence changes on RNA splicing suggest that this variant may create or strengthen a splice site. This sequence change replaces glutamic acid, which is acidic and polar, with valine, which is neutral and non-polar, at codon 27 of the UROD protein (p.Glu27Val). This variant is present in population databases (rs753985225, gnomAD 0.003%). This variant has not been reported in the literature in individuals affected with UROD-related conditions. Advanced modeling of protein sequence and biophysical properties (such as structural, functional, and spatial information, amino acid conservation, physicochemical variation, residue mobility, and thermodynamic stability) performed at Invitae indicates that this missense variant is not expected to disrupt UROD protein function. In summary, the available evidence is currently insufficient to determine the role of this variant in disease. Therefore, it has been classified as a Variant of Uncertain Significance.

NM_000374.5(UROD):c.80A>T (p.Glu27Val)

Gene: UROD (uroporphyrinogen decarboxylase; plus strand). Cytogenetic location: 1p34.1.
Variant type: single nucleotide variant.
Coding change: c.80A>T on transcript NM_000374.5 (MANE Select); coding-DNA position 80, A replaced by T.
Protein change: p.Glu27Val; replaces glutamic acid 27 with valine.
Molecular consequence: missense variant. On other transcripts: non-coding transcript variant (3).
Genome position (GRCh38, 1-based): chr1:45,012,966, A>T. VCF-style: chr1-45012966-A-T. GRCh37 (hg19) VCF-style: chr1-45478638-A-T.
Other names: short protein forms E27V.
Identifiers: ClinVar variation 2887610 (VCV002887610.3), dbSNP rs753985225, ClinGen allele CA825125.
Genomic context (GRCh38, chr1:45,012,966, plus strand): 5'-GACCTCAGGGTTTTCCGGAGCTGAAGAATGACACATTCCTGCGAGCAGCCTGGGGAGAGG[A>T]AACAGACTACACTCCCGTTTGGTGCATGCGCCAGGCAGGCCGTTACTTACCAGGTAAGAG-3'
Protein context (NP_000365.3, residues 17-37): DTFLRAAWGE[Glu27Val]TDYTPVWCMR